The following is an entry in ClinVar:

NM_033409.4(SLC52A3):c.790_791del (p.Ser264fs)

Gene: SLC52A3 (solute carrier family 52 member 3; minus strand). Cytogenetic location: 20p13.
Variant type: Deletion.
Coding change: c.790_791del on transcript NM_033409.4 (MANE Select); coding-DNA positions 790 to 791, 2 bases deleted (TC; older notation c.790_791delTC).
Protein change: p.Ser264fs; shifts the reading frame from serine 264.
Molecular consequence: frameshift variant.
Genome position (GRCh38, 1-based): chr20:763,780-763,781, GA deleted on the plus strand (TC on the coding strand, the reverse complement: SLC52A3 is on the minus strand); deleting any 2 consecutive bases within chr20:763,780-763,782 gives the same sequence; the c. name uses the placement nearest the transcript's 3' end. VCF-style (leftmost placement, unchanged base first): chr20-763779-GGA-G. GRCh37 (hg19) VCF-style: chr20-744423-GGA-G.
Other names: c.790_791del, p.Ser264fs (NM_001370085.1, NM_001370086.1); short protein forms S264fs.
Identifiers: ClinVar variation 2815140 (VCV002815140.3), dbSNP rs2514848897, ClinGen allele CA2739277024.
Genomic context (GRCh38, chr20:763,779, plus strand): 5'-GCCCTGGCTGCTGTCCACCGTGCCTGCAGGGCCCAAGTCATTCTCTTCCCGCGGCCGGAT[GGA>G]GTGGAGGGTGACCTGGTCATTGAGGAGGTCTTCCACGGAAGCCTCCCAGCACCTGGGTTG-3'

ClinVar aggregate classification (germline): Pathogenic (1 of 4 stars; one submission).

Conditions:
Brown-Vialetto-van Laere syndrome 1. Also called: BROWN-VIALETTO-VAN LAERE SYNDROME 1, MILD; BULBAR PALSY, PROGRESSIVE, WITH SENSORINEURAL DEAFNESS; PONTOBULBAR PALSY WITH DEAFNESS. Identifiers: Orphanet 572550, Orphanet 97229, MedGen C0796274, MONDO:0024537, OMIM 211530.

Submission:

Labcorp Genetics (formerly Invitae), Labcorp
Classification: Pathogenic for Brown-Vialetto-van Laere syndrome 1. Last evaluated: 2022-12-21. Review status: criteria provided, single submitter. Criteria: Invitae Variant Classification Sherloc (09022015). Collection method: clinical testing. Allele origin: germline.
Comment: For these reasons, this variant has been classified as Pathogenic. This variant has not been reported in the literature in individuals affected with SLC52A3-related conditions. This variant is not present in population databases (gnomAD no frequency). This sequence change creates a premature translational stop signal (p.Ser264Hisfs*8) in the SLC52A3 gene. It is expected to result in an absent or disrupted protein product. Loss-of-function variants in SLC52A3 are known to be pathogenic (PMID: 20206331, 22824638, 25462087).

Literature cited by the submitters: PubMed 20206331; PubMed 22824638; PubMed 25462087.